The following is an entry in ClinVar:

NM_004415.4(DSP):c.4034A>G (p.Glu1345Gly)

Gene: DSP (desmoplakin; plus strand). Cytogenetic location: 6p24.3.
Variant type: single nucleotide variant.
Coding change: c.4034A>G on transcript NM_004415.4 (MANE Select); coding-DNA position 4034, A replaced by G.
Protein change: p.Glu1345Gly; replaces glutamic acid 1345 with glycine.
Molecular consequence: missense variant. On other transcripts: intron variant (1).
Genome position (GRCh38, 1-based): chr6:7,580,224, A>G. VCF-style: chr6-7580224-A-G. GRCh37 (hg19) VCF-style: chr6-7580457-A-G.
Other names: c.4034A>G, p.Glu1345Gly (NM_001319034.2); c.3582+452A>G (NM_001008844.3); short protein forms E1345G.
Identifiers: ClinVar variation 1047523 (VCV001047523.6), dbSNP rs201964660, ClinGen allele CA362685401.

ClinVar aggregate classification (germline): Uncertain significance (1 of 4 stars; one submission).

Conditions:
Arrhythmogenic right ventricular dysplasia 8 (ARVD8). Also called: Arrhythmogenic Right Ventricular Dysplasia/Cardiomyopathy 8; ARRHYTHMOGENIC RIGHT VENTRICULAR CARDIOMYOPATHY 8; ARRHYTHMOGENIC RIGHT VENTRICULAR DYSPLASIA, FAMILIAL, 8. Identifiers: MedGen C1843896, MONDO:0011831, OMIM 607450.
Arrhythmogenic cardiomyopathy with wooly hair and keratoderma. Also called: Carvajal syndrome; PALMOPLANTAR KERATODERMA WITH LEFT VENTRICULAR CARDIOMYOPATHY AND WOOLLY HAIR; Arrhythmogenic cardiomyopathy with woolly hair and keratoderma; Dilated cardiomyopathy with woolly hair and keratoderma. Identifiers: Orphanet 65282, MedGen C1854063, MONDO:0011581, OMIM 605676.

gnomAD v4.1: 1 of 1,614,108 alleles (0.000062%); no homozygotes.

Submission:

Labcorp Genetics (formerly Invitae), Labcorp
Classification: Uncertain significance for Arrhythmogenic cardiomyopathy with wooly hair and keratoderma; Arrhythmogenic right ventricular dysplasia 8. Last evaluated: 2021-08-28. Review status: criteria provided, single submitter. Criteria: Invitae Variant Classification Sherloc (09022015). Collection method: clinical testing. Allele origin: germline.
Comment: This sequence change replaces glutamic acid with glycine at codon 1345 of the DSP protein (p.Glu1345Gly). The glutamic acid residue is highly conserved and there is a moderate physicochemical difference between glutamic acid and glycine. This variant is not present in population databases (ExAC no frequency). This variant has not been reported in the literature in individuals affected with DSP-related conditions. Algorithms developed to predict the effect of missense changes on protein structure and function are either unavailable or do not agree on the potential impact of this missense change (SIFT: "Deleterious"; PolyPhen-2: "Probably Damaging"; Align-GVGD: "Class C0"). In summary, the available evidence is currently insufficient to determine the role of this variant in disease. Therefore, it has been classified as a Variant of Uncertain Significance.